The following is an entry in ClinVar:

ClinVar aggregate classification (germline): Uncertain significance (1 of 4 stars; one submission).

Conditions:
Hypertrophic cardiomyopathy 13. Also called: TNNC1-Related Familial Hypertrophic Cardiomyopathy. Identifiers: MedGen C2750472, MONDO:0013195, OMIM 613243.
Dilated cardiomyopathy 1Z (CMD1Z). Identifiers: Orphanet 154, MedGen C2678475, MONDO:0012745, OMIM 611879.

Submission:

Labcorp Genetics (formerly Invitae), Labcorp
Classification: Uncertain significance for Hypertrophic cardiomyopathy 13; Dilated cardiomyopathy 1Z. Last evaluated: 2021-06-26. Review status: criteria provided, single submitter. Criteria: Invitae Variant Classification Sherloc (09022015). Collection method: clinical testing. Allele origin: germline.
Comment: In summary, the available evidence is currently insufficient to determine the role of this variant in disease. Therefore, it has been classified as a Variant of Uncertain Significance. Experimental studies and prediction algorithms are not available or were not evaluated, and the functional significance of this variant is currently unknown. This premature translational stop signal has been observed in individual(s) with hypertrophic cardiomyopathy (HCM) (PMID: 21262074). It has also been observed to segregate with disease in related individuals. This variant is not present in population databases (ExAC no frequency). This sequence change creates a premature translational stop signal (p.Gln122Alafs*30) in the TNNC1 gene. While this is not anticipated to result in nonsense mediated decay, it is expected to disrupt the last 40 amino acid(s) of the TNNC1 protein.

Literature cited by the submitters: PubMed 21262074.

NM_003280.3(TNNC1):c.363dup (p.Gln122fs)

Gene: TNNC1 (troponin C1, slow skeletal and cardiac type; minus strand). Cytogenetic location: 3p21.1.
Variant type: Duplication.
Coding change: c.363dup on transcript NM_003280.3 (MANE Select); coding-DNA position 363, one base duplicated (G; older notation c.363dupG).
Protein change: p.Gln122fs; shifts the reading frame from glutamine 122.
Molecular consequence: frameshift variant.
Genome position (GRCh38, 1-based): chr3:52,451,482, C duplicated on the plus strand (G on the coding strand, the reverse complement: TNNC1 is on the minus strand). VCF-style (leftmost placement, unchanged base first): chr3-52451481-G-GC. GRCh37 (hg19) VCF-style: chr3-52485497-G-GC.
Other names: short protein forms Q122fs.
Identifiers: ClinVar variation 1404324 (VCV001404324.6), dbSNP rs2153229917, ClinGen allele CA923726232.